The following is an entry in ClinVar:

ClinVar aggregate classification (germline): Likely pathogenic (1 of 4 stars; one submission).

Conditions:
CFTR-related disorder (CFTR-RD). Also called: CFTR-related disorders; CFTR-related condition. Identifiers: MedGen C5924204, MONDO:7770004.

Submission:

Natera, Inc.
Classification: Likely pathogenic for CFTR-related disorders. Last evaluated: 2025-12-08. Review status: criteria provided, single submitter. Criteria: Natera Variant Classification Schema (03/2026). Collection method: clinical testing. Allele origin: germline.
Comment: The c.463_466del variant in CFTR is a frameshift variant predicted to shift the reading frame beginning at codon 155 and leads to a stop codon 4 codons downstream. This variant is expected to result in nonsense mediated decay, truncation, or a dysfunctional protein product. This variant is rare in the general population with a frequency below the threshold expected for the associated phenotype(s). Given the available evidence, this variant is classified as Likely Pathogenic.

NM_000492.4(CFTR):c.463_466del (p.Ala155fs)

Gene: CFTR (CF transmembrane conductance regulator; plus strand). Cytogenetic location: 7q31.2.
Variant type: Deletion.
Coding change: c.463_466del on transcript NM_000492.4 (MANE Select); coding-DNA positions 463 to 466, 4 bases deleted (GCTA; older notation c.463_466delGCTA).
Protein change: p.Ala155fs; shifts the reading frame from alanine 155.
Molecular consequence: frameshift variant.
Genome position (GRCh38, 1-based): chr7:117,531,088-117,531,091, GCTA deleted; deleting any 4 consecutive bases within chr7:117,531,086-117,531,091 gives the same sequence; the c. name uses the placement nearest the transcript's 3' end. VCF-style (leftmost placement, unchanged base first): chr7-117531085-ATAGC-A. GRCh37 (hg19) VCF-style: chr7-117171139-ATAGC-A.
Other names: c.463_466delGCTA, p.Ala155Cysfs (NM_000492.3); short protein forms A155fs.
Identifiers: ClinVar variation 4818566 (VCV004818566.1).